The following is an entry in ClinVar:

NM_004329.3(BMPR1A):c.1266C>T (p.Phe422=)

Gene: BMPR1A (bone morphogenetic protein receptor type 1A; plus strand). Cytogenetic location: 10q23.2.
Variant type: single nucleotide variant.
Coding change: c.1266C>T on transcript NM_004329.3 (MANE Select); coding-DNA position 1266, C replaced by T.
Protein change: p.Phe422=; no amino-acid change (phenylalanine 422 retained).
Molecular consequence: synonymous variant.
Genome position (GRCh38, 1-based): chr10:86,921,619, C>T. VCF-style: chr10-86921619-C-T. GRCh37 (hg19) VCF-style: chr10-88681376-C-T.
Identifiers: ClinVar variation 186273 (VCV000186273.21), dbSNP rs786202823, ClinGen allele CA194319.

ClinVar aggregate classification (germline): Benign/Likely benign. Review status: criteria provided, multiple submitters, no conflicts (2 of 4 stars). 7 submissions from 7 submitters: Benign (1); Likely benign (5). 1 of the submissions does not count toward it. Last evaluated 2025-04-07.

Conditions:
Juvenile polyposis syndrome (JPS). Identifiers: Orphanet 2929, MedGen C0345893, MONDO:0017380, OMIM 174900.
Hereditary cancer-predisposing syndrome. Also called: Hereditary Cancer Syndrome; Neoplastic Syndromes, Hereditary; Tumor predisposition; Hereditary neoplastic syndrome. Identifiers: Orphanet 140162, MedGen C0027672, MeSH D009386, MONDO:0015356.
BMPR1A-related disorder. Also called: BMPR1A-related condition.

Allele frequency attached by ClinVar (database versions not stated): gnomAD exomes below 0.00001 and 0.00001; TOPMed below 0.00001.
gnomAD v4.1: 21 of 1,614,190 alleles (0.0013%); highest among the groups gnomAD compares: Non-Finnish European, 0.0017%; no homozygotes.

Submissions (7):

Labcorp Genetics (formerly Invitae), Labcorp
Classification: Likely benign for Juvenile polyposis syndrome. Last evaluated: 2025-04-07. Review status: criteria provided, single submitter. Criteria: Invitae Variant Classification Sherloc (09022015). Collection method: clinical testing. Allele origin: germline.

Myriad Genetics, Inc.
Classification: Benign for Juvenile polyposis syndrome. Last evaluated: 2024-08-07. Review status: criteria provided, single submitter. Criteria: Myriad Autosomal Dominant, Autosomal Recessive and X-Linked Classification Criteria (2023). Collection method: clinical testing. Allele origin: unknown.
Comment: This variant is considered benign. This variant is a silent/synonymous amino acid change and it is not expected to impact splicing.

All of Us Research Program, National Institutes of Health
Classification: Likely benign for Juvenile polyposis syndrome. Last evaluated: 2023-11-30. Review status: criteria provided, single submitter. Criteria: ACMG Guidelines, 2015. Collection method: clinical testing. Allele origin: germline. Inheritance: Autosomal dominant inheritance. Observed: 1 variant allele, 1 heterozygote.
Comment: This study involves interpretation of variants in research participants for the purpose of population health screening. Participant phenotype was not available at the time of variant classification. Additional details can be found in publication PMID: 35346344, PMCID: PMC8962531

GeneDx
Classification: Likely benign. Last evaluated: 2017-04-17. Review status: criteria provided, single submitter. Criteria: GeneDx Variant Classification (06012015). Collection method: clinical testing. Allele origin: germline. Affected: yes.
Comment: This variant is considered likely benign or benign based on one or more of the following criteria: it is a conservative change, it occurs at a poorly conserved position in the protein, it is predicted to be benign by multiple in silico algorithms, and/or has population frequency not consistent with disease.

Color Diagnostics, LLC DBA Color Health
Classification: Likely benign for Hereditary cancer-predisposing syndrome. Last evaluated: 2017-01-17. Review status: criteria provided, single submitter. Criteria: ACMG Guidelines, 2015. Collection method: clinical testing. Allele origin: germline.

Ambry Genetics
Classification: Likely benign for Hereditary cancer-predisposing syndrome. Last evaluated: 2014-09-15. Review status: criteria provided, single submitter. Criteria: Ambry Variant Classification Scheme 2023. Collection method: clinical testing. Allele origin: germline.

PreventionGenetics, part of Exact Sciences
Classification: Likely benign for BMPR1A-related condition. Last evaluated: 2024-06-23. Review status: no assertion criteria provided. Collection method: clinical testing. Allele origin: germline. Not counted in ClinVar's aggregate classification.
Comment: This variant is classified as likely benign based on ACMG/AMP sequence variant interpretation guidelines (Richards et al. 2015 PMID: 25741868, with internal and published modifications).